The following is an entry in ClinVar:

ClinVar aggregate classification (germline): Conflicting classifications of pathogenicity. Review status: criteria provided, conflicting classifications (1 of 4 stars). 4 submissions from 4 submitters: Uncertain significance (1); Benign (1); Likely benign (2). Last evaluated 2026-01-23.

Allele frequency attached by ClinVar (database versions not stated): gnomAD exomes 0.00027 and 0.00055; TOPMed 0.00036; ESP Exome Variant Server 0.00038; gnomAD 0.00038 and 0.00041; ExAC 0.00045.

Submissions (4):

Labcorp Genetics (formerly Invitae), Labcorp
Classification: Benign. Last evaluated: 2026-01-23. Review status: criteria provided, single submitter. Criteria: Invitae Variant Classification Sherloc (09022015). Collection method: clinical testing. Allele origin: germline.

Blueprint Genetics
Classification: Likely benign. Last evaluated: 2024-11-26. Review status: criteria provided, single submitter. Criteria: ACMG Guidelines, 2015. Collection method: clinical testing. Allele origin: germline.

CeGaT Center for Human Genetics Tuebingen
Classification: Likely benign. Last evaluated: 2022-07-01. Review status: criteria provided, single submitter. Criteria: CeGaT Center For Human Genetics Tuebingen Variant Classification Criteria Version 2. Collection method: clinical testing. Allele origin: germline. Affected: yes. Observed: 1 variant allele.
Comment: GUCY2C: BP4

Genomic Diagnostic Laboratory, Division of Genomic Diagnostics, Children's Hospital of Philadelphia
Classification: Uncertain significance. Last evaluated: 2015-08-24. Review status: criteria provided, single submitter. Criteria: DGD Variant Analysis Guidelines. Collection method: clinical testing. Allele origin: unknown.

NM_004963.4(GUCY2C):c.2067T>G (p.Asn689Lys)

Gene: GUCY2C (guanylate cyclase 2C; minus strand). Cytogenetic location: 12p12.3.
Variant type: single nucleotide variant.
Coding change: c.2067T>G on transcript NM_004963.4 (MANE Select); coding-DNA position 2067, T replaced by G.
Protein change: p.Asn689Lys; replaces asparagine 689 with lysine.
Molecular consequence: missense variant.
Genome position (GRCh38, 1-based): chr12:14,641,083, A>C on the plus strand (T>G on the coding strand, the complement: GUCY2C is on the minus strand). VCF-style: chr12-14641083-A-C. GRCh37 (hg19) VCF-style: chr12-14794017-A-C.
Other names: short protein forms N689K.
Identifiers: ClinVar variation 252641 (VCV000252641.34), dbSNP rs138497004, ClinGen allele CA6463199.